The following is an entry in ClinVar:

ClinVar aggregate classification (germline): Likely benign. Review status: criteria provided, multiple submitters, no conflicts (2 of 4 stars). 3 submissions from 3 submitters: Likely benign (3). Last evaluated 2025-07-28.

Conditions:
Cardiovascular phenotype. Identifiers: MedGen CN230736.
Hypertrophic cardiomyopathy 14. Identifiers: MedGen C2750467, MONDO:0013197, OMIM 613251.

Allele frequency attached by ClinVar (database versions not stated): gnomAD below 0.00001 and 0.00002; TOPMed below 0.00001; gnomAD exomes 0.00003 and 0.00006; ExAC 0.00007.
gnomAD v4.1: 51 of 1,610,980 alleles (0.0032%); highest among the groups gnomAD compares: South Asian, 0.049%; 1 homozygote.

Submissions (3):

Ambry Genetics
Classification: Likely benign for Cardiovascular phenotype. Last evaluated: 2025-07-28. Review status: criteria provided, single submitter. Criteria: Ambry Variant Classification Scheme 2023. Collection method: clinical testing. Allele origin: germline.

Labcorp Genetics (formerly Invitae), Labcorp
Classification: Likely benign for Hypertrophic cardiomyopathy 14. Last evaluated: 2023-11-01. Review status: criteria provided, single submitter. Criteria: Invitae Variant Classification Sherloc (09022015). Collection method: clinical testing. Allele origin: germline.

GeneDx
Classification: Likely benign. Last evaluated: 2018-02-01. Review status: criteria provided, single submitter. Criteria: GeneDx Variant Classification (06012015). Collection method: clinical testing. Allele origin: germline. Affected: yes.
Comment: This variant is considered likely benign or benign based on one or more of the following criteria: it is a conservative change, it occurs at a poorly conserved position in the protein, it is predicted to be benign by multiple in silico algorithms, and/or has population frequency not consistent with disease.

NM_002471.4(MYH6):c.3636G>A (p.Leu1212=)

Gene: MYH6 (myosin heavy chain 6; minus strand). Cytogenetic location: 14q11.2.
Variant type: single nucleotide variant.
Coding change: c.3636G>A on transcript NM_002471.4 (MANE Select); coding-DNA position 3636, G replaced by A.
Protein change: p.Leu1212=; no amino-acid change (leucine 1212 retained).
Molecular consequence: synonymous variant.
Genome position (GRCh38, 1-based): chr14:23,390,153, C>T on the plus strand (G>A on the coding strand, the complement: MYH6 is on the minus strand). VCF-style: chr14-23390153-C-T. GRCh37 (hg19) VCF-style: chr14-23859362-C-T.
Identifiers: ClinVar variation 515119 (VCV000515119.12), dbSNP rs774392020, ClinGen allele CA7115116.
Genomic context (GRCh38, chr14:23,390,153, plus strand): 5'-GTCATCCAGCTCCAGCTTGAACTCGCTCTTCTCCTTCTCCAGCTTCTGCTTCACCCGCTG[C>T]AGGTTGTCGATCTGCTCGCCCAGCTCGGCCACGCTGTCGGCGTGCTTCTTGCGCAGGGCC-3'
Protein context (NP_002462.2, residues 1202-1222): VAELGEQIDN[Leu1212=]QRVKQKLEKE